The following is an entry in ClinVar:

NM_001844.5(COL2A1):c.924+2T>A

Gene: COL2A1 (collagen type II alpha 1 chain; minus strand). Cytogenetic location: 12q13.11.
Variant type: single nucleotide variant.
Coding change: c.924+2T>A on transcript NM_001844.5 (MANE Select); the canonical splice donor site of the intron after coding-DNA position 924, T replaced by A.
Molecular consequence: splice donor variant.
Genome position (GRCh38, 1-based): chr12:47,993,807, A>T on the plus strand (T>A on the coding strand, the complement: COL2A1 is on the minus strand). VCF-style: chr12-47993807-A-T. GRCh37 (hg19) VCF-style: chr12-48387590-A-T.
Other names: c.717+2T>A (NM_033150.3).
Identifiers: ClinVar variation 3068671 (VCV003068671.1), dbSNP rs1000466404, ClinGen allele CA384521851.

ClinVar aggregate classification (germline): Uncertain significance (1 of 4 stars; one submission).

Conditions:
Stickler syndrome type 1 (STL1). Also called: COL2A1-Related Stickler Syndrome; STICKLER SYNDROME, MEMBRANOUS VITREOUS TYPE; STICKLER SYNDROME, VITREOUS TYPE 1; ARTHROOPHTHALMOPATHY, HEREDITARY PROGRESSIVE. Identifiers: Orphanet 828, Orphanet 90653, MedGen C2020284, MONDO:0007160, OMIM 108300.

Submission:

Molecular Genetics, Royal Melbourne Hospital
Classification: Uncertain significance for Stickler syndrome type 1. Last evaluated: 2023-04-11. Review status: criteria provided, single submitter. Criteria: ACMG Guidelines, 2015. Collection method: clinical testing. Allele origin: germline.
Comment: This sequence change in COL2A1 occurs within the canonical splice donor site (+ 2) of intron 14. It is predicted to cause skipping of biologically relevant-exon 14/54, resulting in an in-frame deletion that is expected to escape nonsense-mediated decay and remove six Gly-X-Y repeats in the collagen triple helical domain, a region critical to protein function (PMID: 31021589). This variant is absent from the population database gnomAD v2.1 and v3.1. To our knowledge, this variant has not been reported in the relevant scientific literature or databases. Based on the classification scheme RMH Modified ACMG/AMP Guidelines v1.6.1, this variant is classified as a VARIANT OF UNCERTAIN SIGNIFICANCE. Following criteria are met: PVS1_Strong, PM2_Supporting.

Literature cited by the submitters: PubMed 31021589.